The following is an entry in ClinVar:

ClinVar aggregate classification (germline): Uncertain significance (1 of 4 stars; one submission).

Conditions:
Marfan syndrome (MFS). Also called: MARFAN SYNDROME, TYPE I; Marfan syndrome type 1; Marfan's syndrome; FBN1-Related Marfan Syndrome; Marfan syndrome, classic. Identifiers: Orphanet 284963, Orphanet 558, MedGen C0024796, MONDO:0007947, OMIM 154700.

Submission:

All of Us Research Program, National Institutes of Health
Classification: Uncertain significance for Marfan syndrome. Last evaluated: 2024-04-25. Review status: criteria provided, single submitter. Criteria: ACMG Guidelines, 2015. Collection method: clinical testing. Allele origin: germline. Inheritance: Autosomal dominant inheritance. Observed: 1 variant allele, 1 heterozygote.
Comment: This missense variant replaces alanine with serine at codon 2657 of the FBN1 protein. Computational prediction suggests that this variant may not impact protein structure and function (internally defined REVEL score threshold <= 0.5, PMID: 27666373). To our knowledge, functional studies have not been reported for this variant. This variant has not been reported in individuals affected with FBN1-related disorders in the literature. This variant has not been identified in the general population by the Genome Aggregation Database (gnomAD). The available evidence is insufficient to determine the role of this variant in disease conclusively. Therefore, this variant is classified as a Variant of Uncertain Significance.

This study involves interpretation of variants in research participants for the purpose of population health screening. Participant phenotype was not available at the time of variant classification. Additional details can be found in publication PMID: 35346344, PMCID: PMC8962531

NM_000138.5(FBN1):c.7969G>T (p.Ala2657Ser)

Gene: FBN1 (fibrillin 1; minus strand). Cytogenetic location: 15q21.1.
Variant type: single nucleotide variant.
Coding change: c.7969G>T on transcript NM_000138.5 (MANE Select); coding-DNA position 7969, G replaced by T.
Protein change: p.Ala2657Ser; replaces alanine 2657 with serine.
Molecular consequence: missense variant.
Genome position (GRCh38, 1-based): chr15:48,415,618, C>A on the plus strand (G>T on the coding strand, the complement: FBN1 is on the minus strand). VCF-style: chr15-48415618-C-A. GRCh37 (hg19) VCF-style: chr15-48707815-C-A.
Other names: c.7969G>T, p.Ala2657Ser (NM_001406716.1); short protein forms A2657S.
Identifiers: ClinVar variation 3386751 (VCV003386751.1).